The following is an entry in ClinVar:

NM_004364.5(CEBPA):c.893A>G (p.Lys298Arg)

Gene: CEBPA (CCAAT enhancer binding protein alpha; minus strand). Cytogenetic location: 19q13.11.
Variant type: single nucleotide variant.
Coding change: c.893A>G on transcript NM_004364.5 (MANE Select); coding-DNA position 893, A replaced by G.
Protein change: p.Lys298Arg; replaces lysine 298 with arginine.
Molecular consequence: missense variant.
Genome position (GRCh38, 1-based): chr19:33,301,522, T>C on the plus strand (A>G on the coding strand, the complement: CEBPA is on the minus strand). VCF-style: chr19-33301522-T-C. GRCh37 (hg19) VCF-style: chr19-33792428-T-C.
Other names: c.536A>G, p.Lys179Arg (NM_001285829.2); c.998A>G, p.Lys333Arg (NM_001287424.2); c.851A>G, p.Lys284Arg (NM_001287435.2); c.893A>G (NM_004364.3); short protein forms K179R, K284R, K298R, K333R.
Identifiers: ClinVar variation 1022246 (VCV001022246.8), dbSNP rs1391793930, ClinGen allele CA405273986.

ClinVar aggregate classification (germline): Uncertain significance. Review status: criteria provided, multiple submitters, no conflicts (2 of 4 stars). 2 submissions from 2 submitters: Uncertain significance (2). Last evaluated 2025-07-08.

Conditions:
Acute myeloid leukemia (AML). Also called: Acute myeloid leukemia, adult; AML adult; Acute non-lymphocytic leukemia; Acute granulocytic leukemia; Leukemia, acute myelogenous, somatic; Leukemia, acute myeloid, somatic. Identifiers: Orphanet 519, MedGen C0023467, MeSH D015470, MONDO:0018874, OMIM 601626, HP:0004808. Disease mechanism: Constitutively activated FLT3.
Inborn genetic diseases. Identifiers: MedGen C0950123, MeSH D030342.

Allele frequency attached by ClinVar (database versions not stated): TOPMed below 0.00001; gnomAD exomes 0.00001.

Submissions (2):

Ambry Genetics
Classification: Uncertain significance for Inborn genetic diseases. Last evaluated: 2025-07-08. Review status: criteria provided, single submitter. Criteria: Ambry Variant Classification Scheme 2023. Collection method: clinical testing. Allele origin: germline.
Comment: The p.K298R variant (also known as c.893A>G), located in coding exon 1 of the CEBPA gene, results from an A to G substitution at nucleotide position 893. The lysine at codon 298 is replaced by arginine, an amino acid with highly similar properties. This amino acid position is highly conserved in available vertebrate species. In addition, this alteration is predicted to be tolerated by in silico analysis. Based on the available evidence, the clinical significance of this variant remains unclear.

Labcorp Genetics (formerly Invitae), Labcorp
Classification: Uncertain significance for Acute myeloid leukemia. Last evaluated: 2021-11-01. Review status: criteria provided, single submitter. Criteria: Invitae Variant Classification Sherloc (09022015). Collection method: clinical testing. Allele origin: germline.
Comment: In summary, the available evidence is currently insufficient to determine the role of this variant in disease. Therefore, it has been classified as a Variant of Uncertain Significance. Experimental studies are conflicting or provide insufficient evidence to determine the effect of this variant on CEBPA function (PMID: 27005833). Algorithms developed to predict the effect of missense changes on protein structure and function are either unavailable or do not agree on the potential impact of this missense change (SIFT: "Tolerated"; PolyPhen-2: "Probably Damaging"; Align-GVGD: "Class C0"). ClinVar contains an entry for this variant (Variation ID: 1022246). This variant has not been reported in the literature in individuals affected with CEBPA-related conditions. This variant is present in population databases (no rsID available, gnomAD 0.006%). This sequence change replaces lysine, which is basic and polar, with arginine, which is basic and polar, at codon 298 of the CEBPA protein (p.Lys298Arg).

Literature cited by the submitters: PubMed 27005833 (cited by Labcorp Genetics (formerly Invitae), Labcorp).